The following is an entry in ClinVar:

ClinVar aggregate classification (germline): Uncertain significance. Review status: criteria provided, multiple submitters, no conflicts (2 of 4 stars). 6 submissions from 6 submitters: Uncertain significance (6). Last evaluated 2026-06-16.

Conditions:
ATP8B1-related disorder. Also called: ATP8B1-related disorders; ATP8B1-related condition.
Progressive familial intrahepatic cholestasis type 1. Also called: Severe ATP8B1 Deficiency (Progressive Familial Intrahepatic Cholestasis Type 1 [PFIC1]); BYLER DISEASE; Byler's disease. Identifiers: Orphanet 79306, MedGen C4551898, MONDO:0008892, OMIM 211600.
Familial intrahepatic cholestasis. Identifiers: Orphanet 284385, MedGen CN296401, MONDO:0017290.

Allele frequency attached by ClinVar (database versions not stated): gnomAD exomes 0.00002 and 0.00005; ExAC 0.00003; gnomAD 0.00005; TOPMed 0.00006.
gnomAD v4.1: 45 of 1,614,092 alleles (0.0028%); highest among the groups gnomAD compares: East Asian, 0.045%; no homozygotes.

Submissions (6):

PreventionGenetics, part of Exact Sciences
Classification: Uncertain significance for ATP8B1-related condition. Last evaluated: 2026-06-16. Review status: criteria provided, single submitter. Criteria: ACMG Guidelines, 2015. Collection method: clinical testing. Allele origin: germline.
Comment: The ATP8B1 c.1681G>A variant is predicted to result in the amino acid substitution p.Ala561Thr. This variant has been reported in the heterozygous state along with a homozygous UGT1A1 variant in a patient with benign recurrent intrahepatic cholestasis and Crigler-Najjar syndrome (Stalke et al 2018. PubMed ID: 28776642). This variant is reported in 0.065% of alleles in individuals of East Asian descent in gnomAD. At this time, the clinical significance of this variant is uncertain due to the absence of conclusive functional and genetic evidence.

Genomenon, Inc
Classification: Uncertain significance for Familial intrahepatic cholestasis. Last evaluated: 2026-04-14. Review status: criteria provided, single submitter. Criteria: Genomenon Sequence Variant Interpretation Standards - Updated. Collection method: curation. Allele origin: germline. Affected: yes.
Comment: ATP8B1 p.Ala561Thr (c.1681G>A) is a missense variant that changes the amino acid at residue 561 from Alanine to Threonine. This variant has been observed in at least one proband with features of ATP8B1-deficiency (PMID:28776642). In silico models predict that this variant is possibly or probably damaging. In conclusion, we classify ATP8B1 p.Ala561Thr (c.1681G>A) as a variant of uncertain significance.

Blueprint Genetics
Classification: Uncertain significance. Last evaluated: 2024-08-08. Review status: criteria provided, single submitter. Criteria: ACMG Guidelines, 2015. Collection method: clinical testing. Allele origin: germline.

Women's Health and Genetics/Laboratory Corporation of America, LabCorp
Classification: Uncertain significance. Last evaluated: 2023-02-15. Review status: criteria provided, single submitter. Criteria: LabCorp Variant Classification Summary - May 2015. Collection method: clinical testing. Allele origin: germline.
Comment: Variant summary: ATP8B1 c.1681G>A (p.Ala561Thr) results in a non-conservative amino acid change located in the P-type ATPase, haloacid dehalogenase domain (IPR044492) of the encoded protein sequence. Five of five in-silico tools predict a damaging effect of the variant on protein function. The variant allele was found at a frequency of 4.8e-05 in 251430 control chromosomes (gnomAD). This frequency is not higher than estimated maximum expected for a pathogenic variant in ATP8B1 causing Familial Intrahepatic Cholestasis (4.8e-05 vs 0.0022), allowing no conclusion about variant significance. c.1681G>A has been reported in the literature in individuals affected with intrahepatic cholestasis (e.g. Goldschmidt_2016, Stalke_2018), however, without strong evidence for causality. Therefore, these reports do not provide unequivocal conclusions about association of the variant with Familial Intrahepatic Cholestasis. To our knowledge, no experimental evidence demonstrating an impact on protein function has been reported. Two ClinVar submitters (evaluation after 2014) have cited the variant, and both laboratories classified the variant as uncertain significance. Based on the evidence outlined above, the variant was classified as uncertain significance.

Labcorp Genetics (formerly Invitae), Labcorp
Classification: Uncertain significance. Last evaluated: 2022-03-18. Review status: criteria provided, single submitter. Criteria: Invitae Variant Classification Sherloc (09022015). Collection method: clinical testing. Allele origin: germline.
Comment: This sequence change replaces alanine, which is neutral and non-polar, with threonine, which is neutral and polar, at codon 561 of the ATP8B1 protein (p.Ala561Thr). This variant is present in population databases (rs372806297, gnomAD 0.07%). This missense change has been observed in individual(s) with clinical features of ATP8B1-related conditons (PMID: 28776642). ClinVar contains an entry for this variant (Variation ID: 327486). Algorithms developed to predict the effect of missense changes on protein structure and function (SIFT, PolyPhen-2, Align-GVGD) all suggest that this variant is likely to be disruptive. In summary, the available evidence is currently insufficient to determine the role of this variant in disease. Therefore, it has been classified as a Variant of Uncertain Significance.

Illumina Laboratory Services, Illumina
Classification: Uncertain significance for Progressive familial intrahepatic cholestasis type 1. Last evaluated: 2018-01-13. Review status: criteria provided, single submitter. Criteria: ICSL Variant Classification Criteria 13 December 2019. Collection method: clinical testing. Allele origin: germline.

Literature cited by the submitters: PubMed 28776642 (cited by 3 submitters); PubMed 26126923 (cited by Women's Health and Genetics/Laboratory Corporation of America, LabCorp).

NM_001374385.1(ATP8B1):c.1681G>A (p.Ala561Thr)

Gene: ATP8B1 (ATPase phospholipid transporting 8B1; minus strand). Cytogenetic location: 18q21.31.
Variant type: single nucleotide variant.
Coding change: c.1681G>A on transcript NM_001374385.1 (MANE Select); coding-DNA position 1681, G replaced by A.
Protein change: p.Ala561Thr; replaces alanine 561 with threonine.
Molecular consequence: missense variant.
Genome position (GRCh38, 1-based): chr18:57,674,972, C>T on the plus strand (G>A on the coding strand, the complement: ATP8B1 is on the minus strand). VCF-style: chr18-57674972-C-T. GRCh37 (hg19) VCF-style: chr18-55342204-C-T.
Other names: c.1531G>A, p.Ala511Thr (NM_001374386.1); c.1681G>A, p.Ala561Thr (NM_005603.6); short protein forms A561T, A511T.
Identifiers: ClinVar variation 327486 (VCV000327486.10), dbSNP rs372806297, ClinGen allele CA8974498.